The following is an entry in ClinVar:

ClinVar aggregate classification (germline): Uncertain significance (1 of 4 stars; one submission).

Conditions:
Familial encephalopathy with neuroserpin inclusion bodies. Also called: ENCEPHALOPATHY, FAMILIAL, WITH COLLINS BODIES. Identifiers: Orphanet 85110, MedGen C1858680, MONDO:0011412, OMIM 604218.

Submission:

Labcorp Genetics (formerly Invitae), Labcorp
Classification: Uncertain significance for Familial encephalopathy with neuroserpin inclusion bodies. Last evaluated: 2023-10-28. Review status: criteria provided, single submitter. Criteria: Invitae Variant Classification Sherloc (09022015). Collection method: clinical testing. Allele origin: germline.
Comment: This sequence change replaces threonine, which is neutral and polar, with isoleucine, which is neutral and non-polar, at codon 98 of the SERPINI1 protein (p.Thr98Ile). This variant is not present in population databases (gnomAD no frequency). This variant has not been reported in the literature in individuals affected with SERPINI1-related conditions. Advanced modeling of protein sequence and biophysical properties (such as structural, functional, and spatial information, amino acid conservation, physicochemical variation, residue mobility, and thermodynamic stability) performed at Invitae indicates that this missense variant is not expected to disrupt SERPINI1 protein function with a negative predictive value of 80%. In summary, the available evidence is currently insufficient to determine the role of this variant in disease. Therefore, it has been classified as a Variant of Uncertain Significance.

NM_001122752.2(SERPINI1):c.293C>T (p.Thr98Ile)

Gene: SERPINI1 (serpin family I member 1; plus strand). Cytogenetic location: 3q26.1.
Variant type: single nucleotide variant.
Coding change: c.293C>T on transcript NM_001122752.2 (MANE Select); coding-DNA position 293, C replaced by T.
Protein change: p.Thr98Ile; replaces threonine 98 with isoleucine.
Molecular consequence: missense variant.
Genome position (GRCh38, 1-based): chr3:167,790,414, C>T. VCF-style: chr3-167790414-C-T. GRCh37 (hg19) VCF-style: chr3-167508202-C-T.
Other names: c.293C>T, p.Thr98Ile (NM_005025.5); short protein forms T98I.
Identifiers: ClinVar variation 2903650 (VCV002903650.3), dbSNP rs1412749235, ClinGen allele CA355155975.
Genomic context (GRCh38, chr3:167,790,414, plus strand): 5'-TCCTTTCTCATCTTTCAGGTGAAGAATTTTCTTTCTTGAAGGAGTTTTCAAACATGGTAA[C>T]TGCTAAAGAGAGCCAATATGTGATGAAAATTGCCAATTCCTTGTTTGTGCAAAATGGATT-3'
Protein context (NP_001116224.1, residues 88-108): SFLKEFSNMV[Thr98Ile]AKESQYVMKI